The following is an entry in ClinVar:

NM_005591.4(MRE11):c.1687T>C (p.Ser563Pro)

Gene: MRE11 (MRE11 double strand break repair nuclease; minus strand). Cytogenetic location: 11q21.
Variant type: single nucleotide variant.
Coding change: c.1687T>C on transcript NM_005591.4 (MANE Select); coding-DNA position 1687, T replaced by C.
Protein change: p.Ser563Pro; replaces serine 563 with proline.
Molecular consequence: missense variant.
Genome position (GRCh38, 1-based): chr11:94,447,315, A>G on the plus strand (T>C on the coding strand, the complement: MRE11 is on the minus strand). VCF-style: chr11-94447315-A-G. GRCh37 (hg19) VCF-style: chr11-94180481-A-G.
Other names: c.1687T>C, p.Ser563Pro (NM_001330347.2, NM_005590.4); short protein forms S563P.
Identifiers: ClinVar variation 220146 (VCV000220146.10), dbSNP rs200950718, ClinGen allele CA348464.

ClinVar aggregate classification (germline): Uncertain significance. Review status: criteria provided, multiple submitters, no conflicts (2 of 4 stars). 2 submissions from 2 submitters: Uncertain significance (2). Last evaluated 2022-07-27.

Conditions:
Ataxia-telangiectasia-like disorder (ATLD). Identifiers: MedGen C1858391, MONDO:0011457.
Hereditary cancer-predisposing syndrome. Also called: Hereditary neoplastic syndrome; Tumor predisposition; Hereditary Cancer Syndrome; Neoplastic Syndromes, Hereditary. Identifiers: Orphanet 140162, MedGen C0027672, MeSH D009386, MONDO:0015356.

Submissions (2):

Ambry Genetics
Classification: Uncertain significance for Hereditary cancer-predisposing syndrome. Last evaluated: 2022-07-27. Review status: criteria provided, single submitter. Criteria: Ambry Variant Classification Scheme 2023. Collection method: clinical testing. Allele origin: germline.
Comment: The p.S563P variant (also known as c.1687T>C), located in coding exon 14 of the MRE11A gene, results from a T to C substitution at nucleotide position 1687. The serine at codon 563 is replaced by proline, an amino acid with similar properties. This amino acid position is conserved. In addition, this alteration is predicted to be tolerated by in silico analysis. Since supporting evidence is limited at this time, the clinical significance of this alteration remains unclear.

Labcorp Genetics (formerly Invitae), Labcorp
Classification: Uncertain significance for Ataxia-telangiectasia-like disorder. Last evaluated: 2015-09-04. Review status: criteria provided, single submitter. Criteria: Invitae Variant Classification Sherloc (09022015). Collection method: clinical testing. Allele origin: germline.
Comment: This sequence change replaces serine with proline at codon 563 of the MRE11A protein (p.Ser563Pro). The serine residue is moderately conserved and there is a moderate physicochemical difference between serine and proline. This variant is not present in population databases and has not been reported in the literature. Algorithms developed to predict the effect of missense changes on protein structure and function (SIFT, PolyPhen-2, Align-GVGD) all suggest that this variant is likely to be tolerated, but these predictions have not been confirmed by published functional studies. In summary, this is a novel missense change that is not predicted to affect protein function or cause disease. However, the evidence is insufficient at this time to prove that conclusively. It has been classified as a Variant of Uncertain Significance.